The following is an entry in ClinVar:

NM_005475.3(SH2B3):c.487C>T (p.Pro163Ser)

Gene: SH2B3 (SH2B adaptor protein 3; plus strand). Cytogenetic location: 12q24.12.
Variant type: single nucleotide variant.
Coding change: c.487C>T on transcript NM_005475.3 (MANE Select); coding-DNA position 487, C replaced by T.
Protein change: p.Pro163Ser; replaces proline 163 with serine.
Molecular consequence: missense variant.
Genome position (GRCh38, 1-based): chr12:111,418,632, C>T. VCF-style: chr12-111418632-C-T. GRCh37 (hg19) VCF-style: chr12-111856436-C-T.
Other names: short protein forms P163S.
Identifiers: ClinVar variation 4842825 (VCV004842825.1).

ClinVar aggregate classification (germline): Uncertain significance (1 of 4 stars; one submission).

Conditions:
Inborn genetic diseases. Identifiers: MedGen C0950123, MeSH D030342.

Submission:

Ambry Genetics
Classification: Uncertain significance for Inborn genetic diseases. Last evaluated: 2026-01-05. Review status: criteria provided, single submitter. Criteria: Ambry Variant Classification Scheme 2023. Collection method: clinical testing. Allele origin: germline.
Comment: The p.P163S variant (also known as c.487C>T), located in coding exon 1 of the SH2B3 gene, results from a C to T substitution at nucleotide position 487. The proline at codon 163 is replaced by serine, an amino acid with similar properties. This amino acid position is conserved. In addition, this alteration is predicted to be tolerated by in silico analysis. Based on the available evidence, the clinical significance of this variant remains unclear.